The following is an entry in ClinVar:

ClinVar aggregate classification (germline): Uncertain significance. Review status: criteria provided, single submitter (1 of 4 stars). 2 submissions from 2 submitters: Uncertain significance (1). 1 of the submissions does not count toward it. Last evaluated 2024-04-09.

Conditions:
SHROOM1-related disorder. Also called: SHROOM1-related condition.

Allele frequency attached by ClinVar (database versions not stated): 1000 Genomes Project 0.00020; 1000 Genomes Project 30x 0.00031; ESP Exome Variant Server 0.00062.
gnomAD v4.1: 867 of 1,608,256 alleles (0.054%); highest among the groups gnomAD compares: Middle Eastern, 0.51%; 2 homozygotes.

Submissions (2):

Ambry Genetics
Classification: Uncertain significance. Last evaluated: 2024-04-09. Review status: criteria provided, single submitter. Criteria: Ambry Variant Classification Scheme 2023. Collection method: clinical testing. Allele origin: germline.

PreventionGenetics, part of Exact Sciences
Classification: Likely benign for SHROOM1-related condition. Last evaluated: 2023-09-29. Review status: no assertion criteria provided. Collection method: clinical testing. Allele origin: germline. Not counted in ClinVar's aggregate classification.
Comment: This variant is classified as likely benign based on ACMG/AMP sequence variant interpretation guidelines (Richards et al. 2015 PMID: 25741868, with internal and published modifications).

NM_001172700.2(SHROOM1):c.1319C>T (p.Pro440Leu)

Gene: SHROOM1 (shroom family member 1; minus strand). Cytogenetic location: 5q31.1.
Variant type: single nucleotide variant.
Coding change: c.1319C>T on transcript NM_001172700.2 (MANE Select); coding-DNA position 1319, C replaced by T.
Protein change: p.Pro440Leu; replaces proline 440 with leucine.
Molecular consequence: missense variant.
Genome position (GRCh38, 1-based): chr5:132,824,342, G>A on the plus strand (C>T on the coding strand, the complement: SHROOM1 is on the minus strand). VCF-style: chr5-132824342-G-A. GRCh37 (hg19) VCF-style: chr5-132160034-G-A.
Other names: c.1112C>T, p.Pro371Leu (NM_001410779.1); c.1319C>T, p.Pro440Leu (NM_133456.3); short protein forms P440L, P371L.
Identifiers: ClinVar variation 2362042 (VCV002362042.5), dbSNP rs150299882, ClinGen allele CA3407813.
Genomic context (GRCh38, chr5:132,824,342, plus strand): 5'-GAACCATTCACCCCCTGCCAGCAGTCATCTGCCCCTGCAGTTCCTGGACACTCATGGAGC[G>A]GGTACTCTGTGGGGACTGTAACCTGGCCAGTTCTTTGGCCTAAGCCAGTTCCATACGGCT-3'
Protein context (NP_001166171.1, residues 430-450): TGQVTVPTEY[Pro440Leu]LHECPGTAGA